The following is an entry in ClinVar:

ClinVar aggregate classification (germline): Uncertain significance (1 of 4 stars; one submission).

Conditions:
MKS1-related disorder. Also called: MKS1-related disorders; MKS1-related condition. Identifiers: MedGen CN239382.

Submission:

PreventionGenetics, part of Exact Sciences
Classification: Uncertain significance for MKS1-related condition. Last evaluated: 2026-08-11. Review status: criteria provided, single submitter. Criteria: ACMG Guidelines, 2015. Collection method: clinical testing. Allele origin: germline.
Comment: The MKS1 c.43C>T variant is predicted to result in the amino acid substitution p.Arg15Cys. To our knowledge, this variant has not been reported in the literature. This variant is reported on one allele in the 'remaining individuals' population in gnomAD. At this time, the clinical significance of this variant is uncertain due to the absence of conclusive functional and genetic evidence.

NC_000017.11:g.58219469G>A

Gene: MKS1 (MKS transition zone complex subunit 1; minus strand). Cytogenetic location: 17q22.
Variant type: single nucleotide variant.
Genome position: GRCh38 VCF-style: chr17-58219469-G-A. GRCh37 (hg19) VCF-style: chr17-56296830-G-A.
Other names: NM_001165927.1:c.43C>T.
Identifiers: ClinVar variation 4983687 (VCV004983687.1).